The following is an entry in ClinVar:

ClinVar aggregate classification (germline): Uncertain significance (1 of 4 stars; one submission).

Submission:

Ambry Genetics
Classification: Uncertain significance. Last evaluated: 2023-08-30. Review status: criteria provided, single submitter. Criteria: Ambry Variant Classification Scheme 2023. Collection method: clinical testing. Allele origin: germline.
Comment: The p.A1302V variant (also known as c.3905C>T), located in coding exon 32 of the PRKDC gene, results from a C to T substitution at nucleotide position 3905. The alanine at codon 1302 is replaced by valine, an amino acid with similar properties. This amino acid position is conserved. Since supporting evidence is limited at this time, the clinical significance of this alteration remains unclear.

NM_006904.7(PRKDC):c.3905C>T (p.Ala1302Val)

Gene: PRKDC (protein kinase, DNA-activated, catalytic subunit; minus strand). Cytogenetic location: 8q11.21.
Variant type: single nucleotide variant.
Coding change: c.3905C>T on transcript NM_006904.7 (MANE Select); coding-DNA position 3905, C replaced by T.
Protein change: p.Ala1302Val; replaces alanine 1302 with valine.
Molecular consequence: missense variant.
Genome position (GRCh38, 1-based): chr8:47,890,423, G>A on the plus strand (C>T on the coding strand, the complement: PRKDC is on the minus strand). VCF-style: chr8-47890423-G-A. GRCh37 (hg19) VCF-style: chr8-48802984-G-A.
Other names: c.3905C>T, p.Ala1302Val (NM_001081640.2); short protein forms A1302V.
Identifiers: ClinVar variation 2626360 (VCV002626360.2), dbSNP rs2551873970, ClinGen allele CA371149003.